The following is an entry in ClinVar:

ClinVar aggregate classification (germline): Uncertain significance (1 of 4 stars; one submission).

Submission:

GeneDx
Classification: Uncertain significance. Last evaluated: 2025-05-30. Review status: criteria provided, single submitter. Criteria: GeneDx Variant Classification Process June 2021. Collection method: clinical testing. Allele origin: germline. Affected: yes.
Comment: Not observed at significant frequency in large population cohorts (gnomAD); In silico analysis suggests that this missense variant does not alter protein structure/function; Has not been previously published as pathogenic or benign to our knowledge

NM_001128.6(AP1G1):c.1280C>A (p.Thr427Lys)

Gene: AP1G1 (adaptor related protein complex 1 subunit gamma 1; minus strand). Cytogenetic location: 16q22.2.
Variant type: single nucleotide variant.
Coding change: c.1280C>A on transcript NM_001128.6 (MANE Select); coding-DNA position 1280, C replaced by A.
Protein change: p.Thr427Lys; replaces threonine 427 with lysine.
Molecular consequence: missense variant.
Genome position (GRCh38, 1-based): chr16:71,753,837, G>T on the plus strand (C>A on the coding strand, the complement: AP1G1 is on the minus strand). VCF-style: chr16-71753837-G-T. GRCh37 (hg19) VCF-style: chr16-71787740-G-T.
Other names: c.1289C>A, p.Thr430Lys (NM_001030007.2); short protein forms T427K, T430K.
Identifiers: ClinVar variation 4532620 (VCV004532620.1).